The following is an entry in ClinVar:

ClinVar aggregate classification (germline): Uncertain significance (1 of 4 stars; one submission).

Submission:

Labcorp Genetics (formerly Invitae), Labcorp
Classification: Uncertain significance. Last evaluated: 2025-02-24. Review status: criteria provided, single submitter. Criteria: Invitae Variant Classification Sherloc (09022015). Collection method: clinical testing. Allele origin: germline.
Comment: This sequence change replaces aspartic acid, which is acidic and polar, with phenylalanine, which is neutral and non-polar, at codon 9 of the RP9 protein (p.Asp9Phe). Information on the frequency of this variant in the gnomAD database is not available, as this variant may be reported differently in the database. This variant has not been reported in the literature in individuals affected with RP9-related conditions. ClinVar contains an entry for this variant (Variation ID: 1948691). An algorithm developed to predict the effect of missense changes on protein structure and function (PolyPhen-2) suggests that this variant is likely to be disruptive. In summary, the available evidence is currently insufficient to determine the role of this variant in disease. Therefore, it has been classified as a Variant of Uncertain Significance.

NM_203288.2(RP9):c.25_26delinsTT (p.Asp9Phe)

Genes: RP9 (RP9 pre-mRNA splicing factor; minus strand), LOC129998225 (ATAC-STARR-seq lymphoblastoid silent region 18090; plus strand). Cytogenetic location: 7p14.3.
Variant type: Indel.
Coding change: c.25_26delinsTT on transcript NM_203288.2 (MANE Select); coding-DNA positions 25 to 26, GA replaced by TT.
Protein change: p.Asp9Phe; replaces aspartic acid 9 with phenylalanine.
Molecular consequence: missense variant.
Genome position (GRCh38, 1-based): chr7:33,109,347-33,109,348, TC replaced by AA on the plus strand (GA replaced by TT on the coding strand, the reverse complement: RP9 is on the minus strand). VCF-style: chr7-33109347-TC-AA. GRCh37 (hg19) VCF-style: chr7-33148959-TC-AA.
Other names: short protein forms D9F.
Identifiers: ClinVar variation 1948691 (VCV001948691.5), dbSNP rs2534927675, ClinGen allele CA2580077062.